The following is an entry in ClinVar:

ClinVar aggregate classification (germline): Uncertain significance. Review status: criteria provided, multiple submitters, no conflicts (2 of 4 stars). 2 submissions from 2 submitters: Uncertain significance (2). Last evaluated 2026-08-13.

Submissions (2):

Ambry Genetics
Classification: Uncertain significance. Last evaluated: 2026-08-13. Review status: criteria provided, single submitter. Criteria: Ambry Variant Classification Scheme 2023. Collection method: clinical testing. Allele origin: germline.

Women's Health and Genetics/Laboratory Corporation of America, LabCorp
Classification: Uncertain significance. Last evaluated: 2024-11-13. Review status: criteria provided, single submitter. Criteria: LabCorp Variant Classification Summary - May 2015. Collection method: clinical testing. Allele origin: germline.
Comment: Variant summary: CACNA1I c.2113A>G (p.Asn705Asp) results in a conservative amino acid change in the encoded protein sequence. Four of five in-silico tools predict a damaging effect of the variant on protein function. The variant was absent in 249060 control chromosomes. The available data on variant occurrences in the general population are insufficient to allow any conclusion about variant significance. To our knowledge, no occurrence of c.2113A>G in individuals affected with Neurodevelopmental Disorder With Speech Impairment And With Or Without Seizures and no experimental evidence demonstrating its impact on protein function have been reported. No submitters have cited clinical-significance assessments for this variant to ClinVar. Based on the evidence outlined above, the variant was classified as uncertain significance.

NM_021096.4(CACNA1I):c.2113A>G (p.Asn705Asp)

Gene: CACNA1I (calcium voltage-gated channel subunit alpha1 I; plus strand). Cytogenetic location: 22q13.1.
Variant type: single nucleotide variant.
Coding change: c.2113A>G on transcript NM_021096.4 (MANE Select); coding-DNA position 2113, A replaced by G.
Protein change: p.Asn705Asp; replaces asparagine 705 with aspartic acid.
Molecular consequence: missense variant.
Genome position (GRCh38, 1-based): chr22:39,658,272, A>G. VCF-style: chr22-39658272-A-G. GRCh37 (hg19) VCF-style: chr22-40054277-A-G.
Other names: c.2008A>G, p.Asn670Asp (NM_001003406.2); c.2113A>G (NM_021096.3); short protein forms N670D, N705D.
Identifiers: ClinVar variation 3629647 (VCV003629647.2).